The following is an entry in ClinVar:

NM_174936.4(PCSK9):c.1924T>C (p.Ser642Pro)

Gene: PCSK9 (proprotein convertase subtilisin/kexin type 9; plus strand). Cytogenetic location: 1p32.3.
Variant type: single nucleotide variant.
Coding change: c.1924T>C on transcript NM_174936.4 (MANE Select); coding-DNA position 1924, T replaced by C.
Protein change: p.Ser642Pro; replaces serine 642 with proline.
Molecular consequence: missense variant. On other transcripts: non-coding transcript variant (8).
Genome position (GRCh38, 1-based): chr1:55,063,429, T>C. VCF-style: chr1-55063429-T-C. GRCh37 (hg19) VCF-style: chr1-55529102-T-C.
Other names: c.2047T>C, p.Ser683Pro (NM_001407240.1); c.1966T>C, p.Ser656Pro (NM_001407241.1); c.1927T>C, p.Ser643Pro (NM_001407242.1); c.1867T>C, p.Ser623Pro (NM_001407243.1); c.1750T>C, p.Ser584Pro (NM_001407244.1); c.1732T>C, p.Ser578Pro (NM_001407245.1); c.1549T>C, p.Ser517Pro (NM_001407246.1); c.1423T>C, p.Ser475Pro (NM_001407247.1); short protein forms S475P, S517P, S578P, S584P, S623P, S642P, S643P, S656P.
Identifiers: ClinVar variation 4861688 (VCV004861688.1).

ClinVar aggregate classification (germline): Uncertain significance (1 of 4 stars; one submission).

Conditions:
Cardiovascular phenotype. Identifiers: MedGen CN230736.

gnomAD v4.1: 15 of 1,613,950 alleles (0.00093%); highest among the groups gnomAD compares: Non-Finnish European, 0.0013%; no homozygotes.

Submission:

Ambry Genetics
Classification: Uncertain significance for Cardiovascular phenotype. Last evaluated: 2026-05-14. Review status: criteria provided, single submitter. Criteria: Ambry Variant Classification Scheme 2023. Collection method: clinical testing. Allele origin: germline.
Comment: The p.S642P variant (also known as c.1924T>C), located in coding exon 12 of the PCSK9 gene, results from a T to C substitution at nucleotide position 1924. The serine at codon 642 is replaced by proline, an amino acid with similar properties. This amino acid position is conserved. In addition, this alteration is predicted to be tolerated by in silico analysis. Based on the available evidence, the clinical significance of this variant remains unclear.